The following is an entry in ClinVar:

NM_001114753.3(ENG):c.493C>A (p.Pro165Thr)

Gene: ENG (endoglin; minus strand). Cytogenetic location: 9q34.11.
Variant type: single nucleotide variant.
Coding change: c.493C>A on transcript NM_001114753.3 (MANE Select); coding-DNA position 493, C replaced by A.
Protein change: p.Pro165Thr; replaces proline 165 with threonine.
Molecular consequence: missense variant. On other transcripts: 5 prime UTR variant (1).
Genome position (GRCh38, 1-based): chr9:127,826,540, G>T on the plus strand (C>A on the coding strand, the complement: ENG is on the minus strand). VCF-style: chr9-127826540-G-T. GRCh37 (hg19) VCF-style: chr9-130588819-G-T.
Other names: c.493C>A, p.Pro165Thr (NM_000118.4, NM_001406715.1); c.-54C>A (NM_001278138.2); short protein forms P165T.
Identifiers: ClinVar variation 4824977 (VCV004824977.1).
Genomic context (GRCh38, chr9:127,826,540, plus strand): 5'-GAGCCCAGAGAGGTTGCTGGGGAAACTGACCTTGGCCCAGTCGGAGGAGGATGCTCTGGG[G>T]GTCATTCAGCTCAGCAGCAGAGGTGATGGGGCCCCTCTCAGCTGCCCACTCAAGGATCTG-3'
Protein context (NP_001108225.1, residues 155-175): PITSAAELND[Pro165Thr]QSILLRLGQA

ClinVar aggregate classification (germline): Uncertain significance (1 of 4 stars; one submission).

Conditions:
Cardiovascular phenotype. Identifiers: MedGen CN230736.

gnomAD v4.1: 1 of 1,614,108 alleles (0.000062%); highest among the groups gnomAD compares: Non-Finnish European, 0.000085%; no homozygotes.

Submission:

Ambry Genetics
Classification: Uncertain significance for Cardiovascular phenotype. Last evaluated: 2026-01-22. Review status: criteria provided, single submitter. Criteria: Ambry Variant Classification Scheme 2023. Collection method: clinical testing. Allele origin: germline.
Comment: The p.P165T variant (also known as c.493C>A), located in coding exon 4 of the ENG gene, results from a C to A substitution at nucleotide position 493. The proline at codon 165 is replaced by threonine, an amino acid with highly similar properties. This amino acid position is conserved. In addition, the in silico prediction for this alteration is inconclusive. Based on the available evidence, the clinical significance of this variant remains unclear.